The following is an entry in ClinVar:

NM_000123.4(ERCC5):c.200T>G (p.Phe67Cys)

Genes: BIVM-ERCC5 (BIVM-ERCC5 readthrough; plus strand), ERCC5 (ERCC excision repair 5, endonuclease; plus strand). Cytogenetic location: 13q33.1.
Variant type: single nucleotide variant.
Coding change: c.200T>G on transcript NM_000123.4 (MANE Select); coding-DNA position 200, T replaced by G.
Protein change: p.Phe67Cys; replaces phenylalanine 67 with cysteine.
Molecular consequence: missense variant.
Genome position (GRCh38, 1-based): chr13:102,852,229, T>G. VCF-style: chr13-102852229-T-G. GRCh37 (hg19) VCF-style: chr13-103504579-T-G.
Other names: c.1562T>G, p.Phe521Cys (NM_001204425.2); short protein forms F521C, F67C.
Identifiers: ClinVar variation 1718152 (VCV001718152.5), dbSNP rs761224800, ClinGen allele CA388566943.
Genomic context (GRCh38, chr13:102,852,229, plus strand): 5'-GGAACTCAATAGAAAATCCTCATCTTCTCACTTTGTTTCATCGGCTCTGCAAACTCTTAT[T>G]TTTTCGAATTCGTCCTATTTTTGTGTTTGATGGGGATGCTCCACTATTGAAGAAACAGAC-3'
Protein context (NP_000114.3, residues 57-77): TLFHRLCKLL[Phe67Cys]FRIRPIFVFD

ClinVar aggregate classification (germline): Uncertain significance (1 of 4 stars; one submission).

Submission:

Labcorp Genetics (formerly Invitae), Labcorp
Classification: Uncertain significance. Last evaluated: 2022-08-27. Review status: criteria provided, single submitter. Criteria: Invitae Variant Classification Sherloc (09022015). Collection method: clinical testing. Allele origin: germline.
Comment: In summary, the available evidence is currently insufficient to determine the role of this variant in disease. Therefore, it has been classified as a Variant of Uncertain Significance. Algorithms developed to predict the effect of missense changes on protein structure and function are either unavailable or do not agree on the potential impact of this missense change (SIFT: "Deleterious"; PolyPhen-2: "Probably Damaging"; Align-GVGD: "Class C0"). This variant has not been reported in the literature in individuals affected with ERCC5-related conditions. This variant is not present in population databases (gnomAD no frequency). This sequence change replaces phenylalanine, which is neutral and non-polar, with cysteine, which is neutral and slightly polar, at codon 67 of the ERCC5 protein (p.Phe67Cys).